The following is an entry in ClinVar:

ClinVar aggregate classification (germline): Pathogenic (3 of 4 stars; one submission).

Conditions:
Creatine transporter deficiency (CCDS1). Also called: Mental retardation , X-linked with seizures, short stature and midface hypoplasia; Mental retardation , X-linked, with creatine transport deficiency; X-linked creatine transporter deficiency; X-linked creatine deficiency syndrome; SLC6A8-Related Creatine Transporter Deficiency; CREATINE TRANSPORTER DEFECT. Identifiers: Orphanet 52503, MedGen C1845862, MONDO:0010305, OMIM 300352.

Submission:

ClinGen Cerebral Creatine Deficiency Syndromes Variant Curation Expert Panel, ClinGen
Classification: Pathogenic for Creatine transporter deficiency. Last evaluated: 2024-03-25. Review status: reviewed by expert panel. Criteria: ClinGen_CCDS_ACMG_Specifications_SLC6A8_v1.1. Collection method: curation. Allele origin: germline. Inheritance: X-linked inheritance.
Comment: The NM_005629.4:c.1417_1420del variant in SLC6A8 is frameshift variant predicted to cause a premature stop codon in biologically relevant exon 11/13 leading to nonsense mediated decay in a gene in which loss of function is an established disease mechanism (p.Phe473ThrfsTer37) (PVS1). The variant is absent in gnomAD v2.1.1. (PM2_Supporting). There is no ClinVar entry for this variant. In summary, this variant meets criteria to be classified as pathogenic for creatine transporter deficiency. SLC6A8-specific criteria applied, as specified by the ClinGen CCDS VCEP (Specifications Version 1.1.0): PVS1, PM2_Supporting, PP4. (Classification approved by the ClinGen CCDS VCEP on March 25, 2024).

NM_005629.4(SLC6A8):c.1417_1420del (p.Phe473fs)

Gene: SLC6A8 (solute carrier family 6 member 8; plus strand). Cytogenetic location: Xq28.
Variant type: Deletion.
Coding change: c.1417_1420del on transcript NM_005629.4 (MANE Select); coding-DNA positions 1417 to 1420, 4 bases deleted (TTTG; older notation c.1417_1420delTTTG).
Protein change: p.Phe473fs; shifts the reading frame from phenylalanine 473.
Molecular consequence: frameshift variant.
Genome position (GRCh38, 1-based): chrX:153,694,368-153,694,371, TTTG deleted; deleting any 4 consecutive bases within chrX:153,694,366-153,694,371 gives the same sequence; the c. name uses the placement nearest the transcript's 3' end. VCF-style (leftmost placement, unchanged base first): chrX-153694365-CTGTT-C. GRCh37 (hg19) VCF-style: chrX-152959820-CTGTT-C.
Other names: NM_001142805.2:c.1387_1390del; c.1387_1390del, p.Phe463fs (NM_001142805.2); c.1072_1075del, p.Phe358fs (NM_001142806.1); short protein forms F358fs, F463fs, F473fs.
Identifiers: ClinVar variation 3066453 (VCV003066453.1), dbSNP rs2522167336, ClinGen allele CA2582120572.
Genomic context (GRCh38, chrX:153,694,365, plus strand): 5'-GCCGTCTGCCATCCTCCCTGACTGGGCTCTGTCCCCCAGGGCGGGATGTACGTCTTCCAG[CTGTT>C]TGACTACTACTCGGCCAGCGGCACCACCCTGCTCTGGCAGGCCTTTTGGGAGTGCGTGGT-3'